The following is an entry in ClinVar:

NM_032122.5(DTNBP1):c.222+26C>T

Gene: DTNBP1 (dystrobrevin binding protein 1; minus strand). Cytogenetic location: 6p22.3.
Variant type: single nucleotide variant.
Coding change: c.222+26C>T on transcript NM_032122.5 (MANE Select); 26 bases into the intron after coding-DNA position 222, C replaced by T.
Molecular consequence: intron variant.
Genome position (GRCh38, 1-based): chr6:15,637,718, G>A on the plus strand (C>T on the coding strand, the complement: DTNBP1 is on the minus strand). VCF-style: chr6-15637718-G-A. GRCh37 (hg19) VCF-style: chr6-15637949-G-A.
Other names: c.117+26C>T (NM_001271669.2); c.171+26C>T (NM_001271668.2); c.-22+26C>T (NM_001271667.2); c.222+26C>T (NM_183040.2).
Identifiers: ClinVar variation 1707142 (VCV001707142.2), dbSNP rs79116867, ClinGen allele CA3644207.
Genomic context (GRCh38, chr6:15,637,718, plus strand): 5'-CAATTATAAATTCAATTTTTAAAAAATACCATTTAGCACTGAAAAAGGAAAGTTTGCCAC[G>A]AGTATAAGATTAGTCAATTCTTTACCTCTCCAGCACTTGCACAGTCTTTGGCTCTTCTGT-3'

ClinVar aggregate classification (germline): Likely benign (1 of 4 stars; one submission).

Allele frequency attached by ClinVar (database versions not stated): ESP Exome Variant Server 0.00038; gnomAD exomes 0.00102; gnomAD 0.00178; 1000 Genomes Project 0.00260; TOPMed 0.00289; ExAC 0.00337.
gnomAD v4.1: 1,747 of 1,611,984 alleles (0.11%); highest among the groups gnomAD compares: Admixed American, 2.5%; 34 homozygotes.

Submission:

GeneDx
Classification: Likely benign. Last evaluated: 2019-02-04. Review status: criteria provided, single submitter. Criteria: GeneDx Variant Classification Process June 2021. Collection method: clinical testing. Allele origin: germline. Affected: yes.
Comment: See Variant Classification Assertion Criteria.